The following is an entry in ClinVar:

NM_001267550.2(TTN):c.84492G>A (p.Val28164=)

Genes: TTN (titin; minus strand), TTN-AS1 (TTN antisense RNA 1; plus strand). Cytogenetic location: 2q31.2.
Variant type: single nucleotide variant.
Coding change: c.84492G>A on transcript NM_001267550.2 (MANE Select); coding-DNA position 84492, G replaced by A.
Protein change: p.Val28164=; no amino-acid change (valine 28164 retained).
Molecular consequence: synonymous variant.
Genome position (GRCh38, 1-based): chr2:178,561,640, C>T on the plus strand (G>A on the coding strand, the complement: TTN is on the minus strand). VCF-style: chr2-178561640-C-T. GRCh37 (hg19) VCF-style: chr2-179426367-C-T.
Other names: c.79569G>A, p.Val26523= (NM_001256850.1); c.57297G>A, p.Val19099= (NM_003319.4); c.76788G>A, p.Val25596= (NM_133378.4); c.57672G>A, p.Val19224= (NM_133432.3); c.57873G>A, p.Val19291= (NM_133437.4).
Identifiers: ClinVar variation 518127 (VCV000518127.10), dbSNP rs767513604, ClinGen allele CA1988772.

ClinVar aggregate classification (germline): Likely benign. Review status: criteria provided, multiple submitters, no conflicts (2 of 4 stars). 3 submissions from 3 submitters: Likely benign (3). Last evaluated 2025-01-22.

Conditions:
Dilated cardiomyopathy 1G (CMD1G). Identifiers: Orphanet 154, MedGen C1858763, MONDO:0011400, OMIM 604145.
Autosomal recessive limb-girdle muscular dystrophy type 2J (LGMDR10). Also called: Limb-girdle muscular dystrophy, type 2J; MUSCULAR DYSTROPHY, LIMB-GIRDLE, AUTOSOMAL RECESSIVE 10. Identifiers: Orphanet 140922, MedGen C1837342, MONDO:0012127, OMIM 608807.
Cardiovascular phenotype. Identifiers: MedGen CN230736.

Allele frequency attached by ClinVar (database versions not stated): ExAC 0.00001; gnomAD exomes 0.00001; TOPMed 0.00001.
gnomAD v4.1: 4 of 1,610,816 alleles (0.00025%); highest among the groups gnomAD compares: Non-Finnish European, 0.00034%; no homozygotes.

Submissions (3):

Labcorp Genetics (formerly Invitae), Labcorp
Classification: Likely benign for Dilated cardiomyopathy 1G; Autosomal recessive limb-girdle muscular dystrophy type 2J. Last evaluated: 2025-01-22. Review status: criteria provided, single submitter. Criteria: Invitae Variant Classification Sherloc (09022015). Collection method: clinical testing. Allele origin: germline.

Ambry Genetics
Classification: Likely benign for Cardiovascular phenotype. Last evaluated: 2024-11-05. Review status: criteria provided, single submitter. Criteria: Ambry Variant Classification Scheme 2023. Collection method: clinical testing. Allele origin: germline.

GeneDx
Classification: Likely benign. Last evaluated: 2017-06-14. Review status: criteria provided, single submitter. Criteria: GeneDx Variant Classification (06012015). Collection method: clinical testing. Allele origin: germline. Affected: yes.
Comment: This variant is considered likely benign or benign based on one or more of the following criteria: it is a conservative change, it occurs at a poorly conserved position in the protein, it is predicted to be benign by multiple in silico algorithms, and/or has population frequency not consistent with disease.